The following is an entry in ClinVar:

NM_000257.4(MYH7):c.1395C>G (p.Phe465Leu)

Gene: MYH7 (myosin heavy chain 7; minus strand). Cytogenetic location: 14q11.2.
Variant type: single nucleotide variant.
Coding change: c.1395C>G on transcript NM_000257.4 (MANE Select); coding-DNA position 1395, C replaced by G.
Protein change: p.Phe465Leu; replaces phenylalanine 465 with leucine.
Molecular consequence: missense variant.
Genome position (GRCh38, 1-based): chr14:23,428,967, G>C on the plus strand (C>G on the coding strand, the complement: MYH7 is on the minus strand). VCF-style: chr14-23428967-G-C. GRCh37 (hg19) VCF-style: chr14-23898176-G-C.
Other names: c.1395C>G (LRG_384t1); short protein forms F465L.
Identifiers: ClinVar variation 264231 (VCV000264231.7), dbSNP rs45508293, ClinGen allele CA10587781.

ClinVar aggregate classification (germline): Uncertain significance. Review status: criteria provided, multiple submitters, no conflicts (2 of 4 stars). 2 submissions from 2 submitters: Uncertain significance (2). Last evaluated 2022-01-24.

Conditions:
Cardiovascular phenotype. Identifiers: MedGen CN230736.
Cardiomyopathy (CMYO). Also called: Cardiomyopathies. Identifiers: Orphanet 167848, MedGen C0878544, MONDO:0004994, HP:0001638. Inheritance: Various modes of inheritance.

Submissions (2):

CHEO Genetics Diagnostic Laboratory, Children's Hospital of Eastern Ontario
Classification: Uncertain significance for Cardiomyopathy. Last evaluated: 2022-01-24. Review status: criteria provided, single submitter. Criteria: ACMG Guidelines, 2015. Collection method: clinical testing. Allele origin: germline.

Ambry Genetics
Classification: Uncertain significance for Cardiovascular phenotype. Last evaluated: 2015-08-06. Review status: criteria provided, single submitter. Criteria: Ambry Variant Classification Scheme 2023. Collection method: clinical testing. Allele origin: germline.
Comment: The p.F465L variant (also known as c.1395C>G), located in coding exon 12 of the MYH7 gene, results from a C to G substitution at nucleotide position 1395. The phenylalanine at codon 465 is replaced by leucine, an amino acid with highly similar properties. This variant was not reported in population based cohorts in the following databases: Database of Single Nucleotide Polymorphisms (dbSNP), NHLBI Exome Sequencing Project (ESP), and 1000 Genomes Project. In the ESP, this variant was not observed in 6503 samples (13006 alleles) with coverage at this position. This amino acid position is highly conserved in available vertebrate species. In addition, this alteration is predicted to be deleterious by in silico analysis. Since supporting evidence is limited at this time, the clinical significance of this variant remains unclear.